The following is an entry in ClinVar:

ClinVar aggregate classification (germline): Likely pathogenic (1 of 4 stars; one submission).

Submission:

GeneDx
Classification: Likely pathogenic. Last evaluated: 2025-01-29. Review status: criteria provided, single submitter. Criteria: GeneDx Variant Classification Process June 2021. Collection method: clinical testing. Allele origin: germline.
Comment: In silico analysis supports that this missense variant has a deleterious effect on protein structure/function; Not observed at significant frequency in large population cohorts (gnomAD); Has not been previously published as pathogenic or benign to our knowledge

NM_006618.5(KDM5B):c.1438T>C (p.Cys480Arg)

Gene: KDM5B (lysine demethylase 5B; minus strand). Cytogenetic location: 1q32.1.
Variant type: single nucleotide variant.
Coding change: c.1438T>C on transcript NM_006618.5 (MANE Select); coding-DNA position 1438, T replaced by C.
Protein change: p.Cys480Arg; replaces cysteine 480 with arginine.
Molecular consequence: missense variant.
Genome position (GRCh38, 1-based): chr1:202,755,371, A>G on the plus strand (T>C on the coding strand, the complement: KDM5B is on the minus strand). VCF-style: chr1-202755371-A-G. GRCh37 (hg19) VCF-style: chr1-202724499-A-G.
Other names: c.1546T>C, p.Cys516Arg (NM_001314042.2); c.1303T>C, p.Cys435Arg (NM_001347591.2); c.1423T>C, p.Cys475Arg (NM_001399817.1); short protein forms C435R, C475R, C480R, C516R.
Identifiers: ClinVar variation 3365817 (VCV003365817.2).
Genomic context (GRCh38, chr1:202,755,371, plus strand): 5'-TGTGCCAACAGAATGAAGAAAAGCACATTCCCACATACAACCAAGGAAGTTTCATGCCAC[A>G]TATATCAGCAGTAATATGTGCAAGGACAGACTGCTCCATCACTGGCATGTTGTTCAAATT-3'
Protein context (NP_006609.3, residues 470-490): SVLAHITADI[Cys480Arg]GMKLPWLYVG